The following is an entry in ClinVar:

ClinVar aggregate classification (germline): Uncertain significance (1 of 4 stars; one submission).

Conditions:
Dilated cardiomyopathy 1Z (CMD1Z). Identifiers: Orphanet 154, MedGen C2678475, MONDO:0012745, OMIM 611879.
Hypertrophic cardiomyopathy 13. Also called: TNNC1-Related Familial Hypertrophic Cardiomyopathy. Identifiers: MedGen C2750472, MONDO:0013195, OMIM 613243.

Submission:

Labcorp Genetics (formerly Invitae), Labcorp
Classification: Uncertain significance for Hypertrophic cardiomyopathy 13; Dilated cardiomyopathy 1Z. Last evaluated: 2023-04-08. Review status: criteria provided, single submitter. Criteria: Invitae Variant Classification Sherloc (09022015). Collection method: clinical testing. Allele origin: germline.
Comment: This variant is not present in population databases (gnomAD no frequency). This sequence change replaces methionine, which is neutral and non-polar, with leucine, which is neutral and non-polar, at codon 157 of the TNNC1 protein (p.Met157Leu). This variant has not been reported in the literature in individuals affected with TNNC1-related conditions. In summary, the available evidence is currently insufficient to determine the role of this variant in disease. Therefore, it has been classified as a Variant of Uncertain Significance. An algorithm developed to predict the effect of missense changes on protein structure and function (PolyPhen-2) suggests that this variant is likely to be disruptive. ClinVar contains an entry for this variant (Variation ID: 180550).

NM_003280.3(TNNC1):c.469A>T (p.Met157Leu)

Gene: TNNC1 (troponin C1, slow skeletal and cardiac type; minus strand). Cytogenetic location: 3p21.1.
Variant type: single nucleotide variant.
Coding change: c.469A>T on transcript NM_003280.3 (MANE Select); coding-DNA position 469, A replaced by T.
Protein change: p.Met157Leu; replaces methionine 157 with leucine.
Molecular consequence: missense variant.
Genome position (GRCh38, 1-based): chr3:52,451,292, T>A on the plus strand (A>T on the coding strand, the complement: TNNC1 is on the minus strand). VCF-style: chr3-52451292-T-A. GRCh37 (hg19) VCF-style: chr3-52485308-T-A.
Other names: c.469A>T (LRG_378t1); short protein forms M157L.
Identifiers: ClinVar variation 180550 (VCV000180550.4), dbSNP rs730880230, ClinGen allele CA346719.